The following is an entry in ClinVar:

ClinVar aggregate classification (germline): Uncertain significance (1 of 4 stars; one submission).

Conditions:
Microcephaly, normal intelligence and immunodeficiency (NBS). Also called: BERLIN BREAKAGE SYNDROME; SEEMANOVA SYNDROME II; Immunodeficiency, microcephaly with normal intelligence; Ataxia telangiectasia variant V1; Nijmegen breakage syndrome; IMMUNODEFICIENCY, MICROCEPHALY, AND CHROMOSOMAL INSTABILITY. Identifiers: Orphanet 647, MedGen C0398791, MONDO:0009623, OMIM 251260.

Allele frequency attached by ClinVar (database versions not stated): gnomAD exomes below 0.00001.
gnomAD v4.1: 1 of 1,613,852 alleles (0.000062%); highest among the groups gnomAD compares: Non-Finnish European, 0.000085%; no homozygotes.

Submission:

Labcorp Genetics (formerly Invitae), Labcorp
Classification: Uncertain significance for Microcephaly, normal intelligence and immunodeficiency. Last evaluated: 2020-12-22. Review status: criteria provided, single submitter. Criteria: Invitae Variant Classification Sherloc (09022015). Collection method: clinical testing. Allele origin: germline.
Comment: In summary, the available evidence is currently insufficient to determine the role of this variant in disease. Therefore, it has been classified as a Variant of Uncertain Significance. Algorithms developed to predict the effect of missense changes on protein structure and function (SIFT, PolyPhen-2, Align-GVGD) all suggest that this variant is likely to be tolerated, but these predictions have not been confirmed by published functional studies and their clinical significance is uncertain. This variant has not been reported in the literature in individuals with NBN-related conditions. This variant is not present in population databases (ExAC no frequency). This sequence change replaces glutamine with arginine at codon 460 of the NBN protein (p.Gln460Arg). The glutamine residue is moderately conserved and there is a small physicochemical difference between glutamine and arginine.

NM_002485.5(NBN):c.1379A>G (p.Gln460Arg)

Gene: NBN (nibrin; minus strand). Cytogenetic location: 8q21.3.
Variant type: single nucleotide variant.
Coding change: c.1379A>G on transcript NM_002485.5 (MANE Select); coding-DNA position 1379, A replaced by G.
Protein change: p.Gln460Arg; replaces glutamine 460 with arginine.
Molecular consequence: missense variant.
Genome position (GRCh38, 1-based): chr8:89,955,301, T>C on the plus strand (A>G on the coding strand, the complement: NBN is on the minus strand). VCF-style: chr8-89955301-T-C. GRCh37 (hg19) VCF-style: chr8-90967529-T-C.
Other names: c.1133A>G, p.Gln378Arg (NM_001024688.3); short protein forms Q378R, Q460R.
Identifiers: ClinVar variation 1496030 (VCV001496030.8), dbSNP rs2129716929, ClinGen allele CA371655986.